The following is an entry in ClinVar:

ClinVar aggregate classification (germline): Uncertain significance. Review status: criteria provided, multiple submitters, no conflicts (2 of 4 stars). 2 submissions from 2 submitters: Uncertain significance (2). Last evaluated 2024-12-30.

Conditions:
Cardiovascular phenotype. Identifiers: MedGen CN230736.
Myofibrillar myopathy 4. Also called: Zaspopathy (type). Identifiers: Orphanet 98912, MedGen C4721886, MONDO:0012277, OMIM 609452.

Allele frequency attached by ClinVar (database versions not stated): gnomAD 0.00001; TOPMed 0.00001; ExAC 0.00002; gnomAD exomes 0.00002.
gnomAD v4.1: 33 of 1,613,758 alleles (0.002%); highest among the groups gnomAD compares: East Asian, 0.071%; no homozygotes.

Submissions (2):

Labcorp Genetics (formerly Invitae), Labcorp
Classification: Uncertain significance for Myofibrillar myopathy 4. Last evaluated: 2024-12-30. Review status: criteria provided, single submitter. Criteria: Invitae Variant Classification Sherloc (09022015). Collection method: clinical testing. Allele origin: germline.
Comment: The LDB3 gene has multiple clinically relevant transcripts. This variant occurs in alternate transcript NM_007078.3, and corresponds to NM_001080116.1:c.*17250G>A in the primary transcript. This sequence change replaces serine, which is neutral and polar, with asparagine, which is neutral and polar, at codon 510 of the LDB3 protein (p.Ser510Asn). This variant is present in population databases (rs745718457, gnomAD 0.03%). This variant has not been reported in the literature in individuals affected with LDB3-related conditions. Experimental studies and prediction algorithms are not available or were not evaluated, and the functional significance of this variant is currently unknown. In summary, the available evidence is currently insufficient to determine the role of this variant in disease. Therefore, it has been classified as a Variant of Uncertain Significance.

Ambry Genetics
Classification: Uncertain significance for Cardiovascular phenotype. Last evaluated: 2023-11-02. Review status: criteria provided, single submitter. Criteria: Ambry Variant Classification Scheme 2023. Collection method: clinical testing. Allele origin: germline.

NM_007078.3(LDB3):c.1529G>A (p.Ser510Asn)

Gene: LDB3 (LIM domain binding 3; plus strand). Cytogenetic location: 10q23.2.
Variant type: single nucleotide variant.
Coding change: c.1529G>A on transcript NM_007078.3 (MANE Select); coding-DNA position 1529, G replaced by A.
Protein change: p.Ser510Asn; replaces serine 510 with asparagine.
Molecular consequence: missense variant.
Genome position (GRCh38, 1-based): chr10:86,716,624, G>A. VCF-style: chr10-86716624-G-A. GRCh37 (hg19) VCF-style: chr10-88476381-G-A.
Other names: c.1199G>A, p.Ser400Asn (NM_001080114.2); c.1544G>A, p.Ser515Asn (NM_001171610.2); c.1340G>A, p.Ser447Asn (NM_001368064.1, NM_001368065.1); c.1388G>A, p.Ser463Asn (NM_001368066.1); short protein forms S447N, S463N, S515N, S400N, S510N.
Identifiers: ClinVar variation 3118214 (VCV003118214.3), dbSNP rs745718457, ClinGen allele CA5585178.
Genomic context (GRCh38, chr10:86,716,624, plus strand): 5'-GGGTGACAGATGATAGCTTCTCCCAGAAGTTTGCCCCGGGCAAGAGCACCACCTCCATCA[G>A]CAAGCAGACCCTGCCCCGGGGAGGCCCAGCCTACACCCCAGCGGGTCCTCAGGTGCCACC-3'
Protein context (NP_009009.1, residues 500-520): FAPGKSTTSI[Ser510Asn]KQTLPRGGPA